The following is an entry in ClinVar:

ClinVar aggregate classification (germline): Uncertain significance. Review status: criteria provided, multiple submitters, no conflicts (2 of 4 stars). 2 submissions from 2 submitters: Uncertain significance (2). Last evaluated 2023-10-07.

Conditions:
Developmental delay with variable intellectual impairment and behavioral abnormalities. Identifiers: MedGen C5193092, MONDO:0032745, OMIM 618430.

Allele frequency attached by ClinVar (database versions not stated): gnomAD exomes 0.00001; gnomAD 0.00002; TOPMed 0.00003; ESP Exome Variant Server 0.00008.
gnomAD v4.1: 20 of 1,614,054 alleles (0.0012%); highest among the groups gnomAD compares: Non-Finnish European, 0.0015%; no homozygotes.

Submissions (2):

Labcorp Genetics (formerly Invitae), Labcorp
Classification: Uncertain significance. Last evaluated: 2023-10-07. Review status: criteria provided, single submitter. Criteria: Invitae Variant Classification Sherloc (09022015). Collection method: clinical testing. Allele origin: germline.
Comment: This sequence change replaces arginine, which is basic and polar, with tryptophan, which is neutral and slightly polar, at codon 1193 of the TCF20 protein (p.Arg1193Trp). This variant is present in population databases (rs367933043, gnomAD 0.01%). This variant has not been reported in the literature in individuals affected with TCF20-related conditions. ClinVar contains an entry for this variant (Variation ID: 2437017). An algorithm developed to predict the effect of missense changes on protein structure and function (PolyPhen-2) suggests that this variant is likely to be disruptive. In summary, the available evidence is currently insufficient to determine the role of this variant in disease. Therefore, it has been classified as a Variant of Uncertain Significance.

Revvity Omics, Revvity
Classification: Uncertain significance for Developmental delay with variable intellectual impairment and behavioral abnormalities. Last evaluated: 2022-11-11. Review status: criteria provided, single submitter. Criteria: ACMG Guidelines, 2015. Collection method: clinical testing. Allele origin: germline.

NM_001378418.1(TCF20):c.3577C>T (p.Arg1193Trp)

Gene: TCF20 (transcription factor 20; minus strand). Cytogenetic location: 22q13.2.
Variant type: single nucleotide variant.
Coding change: c.3577C>T on transcript NM_001378418.1 (MANE Select); coding-DNA position 3577, C replaced by T.
Protein change: p.Arg1193Trp; replaces arginine 1193 with tryptophan.
Molecular consequence: missense variant.
Genome position (GRCh38, 1-based): chr22:42,211,729, G>A on the plus strand (C>T on the coding strand, the complement: TCF20 is on the minus strand). VCF-style: chr22-42211729-G-A. GRCh37 (hg19) VCF-style: chr22-42607735-G-A.
Other names: c.3577C>T, p.Arg1193Trp (NM_005650.4, NM_181492.3); short protein forms R1193W.
Identifiers: ClinVar variation 2437017 (VCV002437017.6), dbSNP rs367933043, ClinGen allele CA324699449.